The following is an entry in ClinVar:

ClinVar aggregate classification (germline): Conflicting classifications of pathogenicity. Review status: criteria provided, conflicting classifications (1 of 4 stars). 2 submissions from 2 submitters: Uncertain significance (1); Likely benign (1). Last evaluated 2025-03-21.

Conditions:
Inborn genetic diseases. Identifiers: MedGen C0950123, MeSH D030342.

Allele frequency attached by ClinVar (database versions not stated): gnomAD exomes 0.00001.
gnomAD v4.1: 10 of 1,613,906 alleles (0.00062%); highest among the groups gnomAD compares: Non-Finnish European, 0.00085%; no homozygotes.

Submissions (2):

Ambry Genetics
Classification: Likely benign for Inborn genetic diseases. Last evaluated: 2025-03-21. Review status: criteria provided, single submitter. Criteria: Ambry Variant Classification Scheme 2023. Collection method: clinical testing. Allele origin: germline.

Labcorp Genetics (formerly Invitae), Labcorp
Classification: Uncertain significance. Last evaluated: 2022-09-13. Review status: criteria provided, single submitter. Criteria: Invitae Variant Classification Sherloc (09022015). Collection method: clinical testing. Allele origin: germline.
Comment: Advanced modeling of protein sequence and biophysical properties (such as structural, functional, and spatial information, amino acid conservation, physicochemical variation, residue mobility, and thermodynamic stability) performed at Invitae indicates that this missense variant is not expected to disrupt DFNA5 protein function. This variant has not been reported in the literature in individuals affected with DFNA5-related conditions. ClinVar contains an entry for this variant (Variation ID: 1680843). This variant is not present in population databases (gnomAD no frequency). In summary, the available evidence is currently insufficient to determine the role of this variant in disease. Therefore, it has been classified as a Variant of Uncertain Significance. This sequence change replaces threonine, which is neutral and polar, with methionine, which is neutral and non-polar, at codon 163 of the DFNA5 protein (p.Thr163Met).

NM_001127453.2(GSDME):c.488C>T (p.Thr163Met)

Gene: GSDME (gasdermin E; minus strand). Cytogenetic location: 7p15.3.
Variant type: single nucleotide variant.
Coding change: c.488C>T on transcript NM_001127453.2 (MANE Select); coding-DNA position 488, C replaced by T.
Protein change: p.Thr163Met; replaces threonine 163 with methionine.
Molecular consequence: missense variant. On other transcripts: 5 prime UTR variant (1).
Genome position (GRCh38, 1-based): chr7:24,719,135, G>A on the plus strand (C>T on the coding strand, the complement: GSDME is on the minus strand). VCF-style: chr7-24719135-G-A. GRCh37 (hg19) VCF-style: chr7-24758754-G-A.
Other names: c.-5C>T (NM_001127454.2); c.488C>T, p.Thr163Met (NM_004403.3); c.488C>T (NM_004403.2); short protein forms T163M.
Identifiers: ClinVar variation 1680843 (VCV001680843.7), dbSNP rs1789680416, ClinGen allele CA367048320.